The following is an entry in ClinVar:

NM_001814.6(CTSC):c.1024T>G (p.Ser342Ala)

Gene: CTSC (cathepsin C; minus strand). Cytogenetic location: 11q14.2.
Variant type: single nucleotide variant.
Coding change: c.1024T>G on transcript NM_001814.6 (MANE Select); coding-DNA position 1024, T replaced by G.
Protein change: p.Ser342Ala; replaces serine 342 with alanine.
Molecular consequence: missense variant.
Genome position (GRCh38, 1-based): chr11:88,294,374, A>C on the plus strand (T>G on the coding strand, the complement: CTSC is on the minus strand). VCF-style: chr11-88294374-A-C. GRCh37 (hg19) VCF-style: chr11-88027542-A-C.
Other names: short protein forms S342A.
Identifiers: ClinVar variation 2105562 (VCV002105562.4), dbSNP rs2496529694, ClinGen allele CA382022043.

ClinVar aggregate classification (germline): Uncertain significance (1 of 4 stars; one submission).

Conditions:
Periodontitis, aggressive. Identifiers: MedGen C0031106, MONDO:0980757.
Haim-Munk syndrome (HMS). Also called: COCHIN JEWISH DISORDER; KERATOSIS PALMOPLANTARIS WITH PERIODONTOPATHIA AND ONYCHOGRYPOSIS. Identifiers: Orphanet 2342, MedGen C1855627, MONDO:0009491, OMIM 245010.
Papillon-Lefèvre syndrome (PALS). Also called: KERATOSIS PALMOPLANTARIS WITH PERIODONTOPATHIA; Papillon-Lefevre Disease. Identifiers: Orphanet 678, MedGen C0030360, MONDO:0009490, OMIM 245000.

Submission:

Labcorp Genetics (formerly Invitae), Labcorp
Classification: Uncertain significance for Haim-Munk syndrome; Periodontitis, aggressive; Papillon-Lefèvre syndrome. Last evaluated: 2025-03-17. Review status: criteria provided, single submitter. Criteria: Invitae Variant Classification Sherloc (09022015). Collection method: clinical testing. Allele origin: germline.
Comment: This sequence change replaces serine, which is neutral and polar, with alanine, which is neutral and non-polar, at codon 342 of the CTSC protein (p.Ser342Ala). This variant is not present in population databases (gnomAD no frequency). This variant has not been reported in the literature in individuals affected with CTSC-related conditions. ClinVar contains an entry for this variant (Variation ID: 2105562). Invitae Evidence Modeling of protein sequence and biophysical properties (such as structural, functional, and spatial information, amino acid conservation, physicochemical variation, residue mobility, and thermodynamic stability) indicates that this missense variant is not expected to disrupt CTSC protein function with a negative predictive value of 80%. In summary, the available evidence is currently insufficient to determine the role of this variant in disease. Therefore, it has been classified as a Variant of Uncertain Significance.